The following is an entry in ClinVar:

NC_000003.11:g.(?_121491404)_(121500721_?)dup

Gene: IQCB1 (IQ motif containing B1; minus strand). Cytogenetic location: 3q13.33.
Variant type: Duplication.
Identifiers: ClinVar variation 1066853 (VCV001066853.6).

ClinVar aggregate classification (germline): Likely pathogenic (1 of 4 stars; one submission).

Conditions:
Nephronophthisis. Also called: Juvenile Nephronophthisis. Identifiers: Orphanet 655, MedGen C0687120, MONDO:0019005, HP:0000090.

Submission:

Labcorp Genetics (formerly Invitae), Labcorp
Classification: Likely pathogenic for Nephronophthisis. Last evaluated: 2022-10-25. Review status: criteria provided, single submitter. Criteria: Invitae Variant Classification Sherloc (09022015). Collection method: clinical testing. Allele origin: germline.
Comment: This variant has not been reported in the literature in individuals affected with IQCB1-related conditions. This variant results in a copy number gain of the genomic region encompassing exon(s) 13-14 of the IQCB1 gene. While the exact position of this variant cannot be determined from the data, sub-genic copy number gains are generally in tandem (PMID: 25640679). This variant is predicted to be out-of-frame, and may result in an absent or disrupted protein product. Loss-of-function variants in IQCB1 are known to be pathogenic (PMID: 15723066, 21901789, 23559409, 28041643). In summary, the currently available evidence indicates that the variant is pathogenic, but additional data are needed to prove that conclusively. Therefore, this variant has been classified as Likely Pathogenic.

Literature cited by the submitters: PubMed 25640679; PubMed 15723066; PubMed 21901789; PubMed 23559409; PubMed 28041643.